The following is an entry in ClinVar:

NM_016239.4(MYO15A):c.3979C>T (p.Leu1327=)

Gene: MYO15A (myosin XVA; plus strand). Cytogenetic location: 17p11.2.
Variant type: single nucleotide variant.
Coding change: c.3979C>T on transcript NM_016239.4 (MANE Select); coding-DNA position 3979, C replaced by T.
Protein change: p.Leu1327=; no amino-acid change (leucine 1327 retained).
Molecular consequence: synonymous variant.
Genome position (GRCh38, 1-based): chr17:18,127,112, C>T. VCF-style: chr17-18127112-C-T. GRCh37 (hg19) VCF-style: chr17-18030426-C-T.
Identifiers: ClinVar variation 45745 (VCV000045745.62), dbSNP rs146245515, ClinGen allele CA136988.

ClinVar aggregate classification (germline): Conflicting classifications of pathogenicity. Review status: criteria provided, conflicting classifications (1 of 4 stars). 8 submissions from 8 submitters: Uncertain significance (1); Benign (4); Likely benign (2). 1 of the submissions does not count toward it. Last evaluated 2026-06-01.

Conditions:
MYO15A-related disorder. Also called: MYO15A-related condition.
Autosomal recessive nonsyndromic hearing loss 3. Also called: NEUROSENSORY NONSYNDROMIC RECESSIVE DEAFNESS 3. Identifiers: Orphanet 90636, MedGen C1838263, MONDO:0010860, OMIM 600316.

Allele frequency attached by ClinVar (database versions not stated): ESP Exome Variant Server 0.00023; gnomAD 0.00063 and 0.00097; TOPMed 0.00087; gnomAD exomes 0.00110 and 0.00178; 1000 Genomes Project 30x 0.00172; 1000 Genomes Project 0.00180; ExAC 0.00186.
gnomAD v4.1: 1,842 of 1,614,030 alleles (0.11%); highest among the groups gnomAD compares: Middle Eastern, 1.3%; 11 homozygotes.

Submissions (8):

CeGaT Center for Human Genetics Tuebingen
Classification: Likely benign. Last evaluated: 2026-06-01. Review status: criteria provided, single submitter. Criteria: CeGaT Center For Human Genetics Tuebingen Variant Classification Criteria Version 2. Collection method: clinical testing. Allele origin: germline. Affected: yes. Observed: 6 variant alleles.
Comment: MYO15A: BP4, BP7

Labcorp Genetics (formerly Invitae), Labcorp
Classification: Benign. Last evaluated: 2025-12-31. Review status: criteria provided, single submitter. Criteria: Invitae Variant Classification Sherloc (09022015). Collection method: clinical testing. Allele origin: germline.

Blueprint Genetics
Classification: Likely benign. Last evaluated: 2024-11-13. Review status: criteria provided, single submitter. Criteria: ACMG Guidelines, 2015. Collection method: clinical testing. Allele origin: germline.

Athena Diagnostics
Classification: Benign. Last evaluated: 2019-07-12. Review status: criteria provided, single submitter. Criteria: Athena Diagnostics Criteria. Collection method: clinical testing. Allele origin: germline.

GeneDx
Classification: Benign. Last evaluated: 2019-04-29. Review status: criteria provided, single submitter. Criteria: GeneDx Variant Classification Process June 2021. Collection method: clinical testing. Allele origin: germline. Affected: yes.

Illumina Laboratory Services, Illumina
Classification: Uncertain significance for Autosomal recessive nonsyndromic hearing loss 3. Last evaluated: 2018-01-13. Review status: criteria provided, single submitter. Criteria: ICSL Variant Classification Criteria 13 December 2019. Collection method: clinical testing. Allele origin: germline.

Laboratory for Molecular Medicine, Mass General Brigham Personalized Medicine
Classification: Benign. Last evaluated: 2017-05-31. Review status: criteria provided, single submitter. Criteria: LMM Criteria. Collection method: clinical testing. Allele origin: germline. Observed: 7 variant alleles.
Comment: p.Leu1327Leu in exon 7 of MYO15A: This variant is not expected to have clinical significance because it does not alter an amino acid residue, is not located wit hin the splice consensus sequence, is not predicted to create an alternate splic e junction, occurs at a nucleotide site that varies as C/T in mammals, and has b een identified in 0.8% (262/30776) of South Asian chromosomes including 4 homozy gotes by the Genome Aggregation Database (gnomAD, rg; dbSNP rs146245515).

PreventionGenetics, part of Exact Sciences
Classification: Benign for MYO15A-related condition. Last evaluated: 2019-05-23. Review status: no assertion criteria provided. Collection method: clinical testing. Allele origin: germline. Not counted in ClinVar's aggregate classification.
Comment: This variant is classified as benign based on ACMG/AMP sequence variant interpretation guidelines (Richards et al. 2015 PMID: 25741868, with internal and published modifications).